The following is an entry in ClinVar:

NM_000260.4(MYO7A):c.1690+4C>T

Gene: MYO7A (myosin VIIA; plus strand). Cytogenetic location: 11q13.5.
Variant type: single nucleotide variant.
Coding change: c.1690+4C>T on transcript NM_000260.4 (MANE Select); 4 bases into the intron after coding-DNA position 1690, C replaced by T.
Molecular consequence: intron variant.
Genome position (GRCh38, 1-based): chr11:77,162,992, C>T. VCF-style: chr11-77162992-C-T. GRCh37 (hg19) VCF-style: chr11-76874038-C-T.
Other names: c.1657+4C>T (NM_001369365.1); c.1690+4C>T (NM_001127180.2).
Identifiers: ClinVar variation 883430 (VCV000883430.8), dbSNP rs377741637, ClinGen allele CA6197551.

ClinVar aggregate classification (germline): Conflicting classifications of pathogenicity. Review status: criteria provided, conflicting classifications (1 of 4 stars). 5 submissions from 3 submitters: Uncertain significance (4); Likely benign (1). Last evaluated 2025-12-03.

Conditions:
Usher syndrome type 1 (USH1). Also called: RETINITIS PIGMENTOSA AND CONGENITAL DEAFNESS. Identifiers: Orphanet 231169, Orphanet 886, MedGen C1568247, MONDO:0010168, OMIM 276900.
Autosomal recessive nonsyndromic hearing loss 2. Also called: NEUROSENSORY NONSYNDROMIC RECESSIVE DEAFNESS 2; DEAFNESS, AUTOSOMAL RECESSIVE 2. Identifiers: Orphanet 90636, MedGen C1838701, MONDO:0010807, OMIM 600060.
Autosomal dominant nonsyndromic hearing loss 11. Identifiers: Orphanet 90635, MedGen C1832475, MONDO:0011032, OMIM 601317.

Allele frequency attached by ClinVar (database versions not stated): TOPMed 0.00003; gnomAD 0.00005; gnomAD exomes 0.00005; ExAC 0.00007; ESP Exome Variant Server 0.00016.
gnomAD v4.1: 74 of 1,613,602 alleles (0.0046%); highest among the groups gnomAD compares: Non-Finnish European, 0.006%; no homozygotes.

Submissions (5):

Labcorp Genetics (formerly Invitae), Labcorp
Classification: Uncertain significance. Last evaluated: 2025-12-03. Review status: criteria provided, single submitter. Criteria: Invitae Variant Classification Sherloc (09022015). Collection method: clinical testing. Allele origin: germline.
Comment: This sequence change falls in intron 14 of the MYO7A gene. It does not directly change the encoded amino acid sequence of the MYO7A protein. It affects a nucleotide within the consensus splice site. This variant is present in population databases (rs377741637, gnomAD 0.01%). This variant has not been reported in the literature in individuals affected with MYO7A-related conditions. ClinVar contains an entry for this variant (Variation ID: 883430). Variants that disrupt the consensus splice site are a relatively common cause of aberrant splicing (PMID: 17576681, 9536098). Algorithms developed to predict the effect of sequence changes on RNA splicing suggest that this variant is not likely to affect RNA splicing. In summary, the available evidence is currently insufficient to determine the role of this variant in disease. Therefore, it has been classified as a Variant of Uncertain Significance.

Blueprint Genetics
Classification: Likely benign. Last evaluated: 2021-06-14. Review status: criteria provided, single submitter. Criteria: ACMG Guidelines, 2015. Collection method: clinical testing. Allele origin: germline.

Illumina Laboratory Services, Illumina
Classification: Uncertain significance for Autosomal recessive nonsyndromic hearing loss 2. Last evaluated: 2017-04-27. Review status: criteria provided, single submitter. Criteria: ICSL Variant Classification Criteria 13 December 2019. Collection method: clinical testing. Allele origin: germline.

Illumina Laboratory Services, Illumina
Classification: Uncertain significance for Usher syndrome type 1. Last evaluated: 2017-04-27. Review status: criteria provided, single submitter. Criteria: ICSL Variant Classification Criteria 13 December 2019. Collection method: clinical testing. Allele origin: germline.

Illumina Laboratory Services, Illumina
Classification: Uncertain significance for Autosomal dominant nonsyndromic hearing loss 11. Last evaluated: 2017-04-27. Review status: criteria provided, single submitter. Criteria: ICSL Variant Classification Criteria 13 December 2019. Collection method: clinical testing. Allele origin: germline.

Literature cited by the submitters: PubMed 17576681 (cited by Labcorp Genetics (formerly Invitae), Labcorp); PubMed 9536098 (cited by Labcorp Genetics (formerly Invitae), Labcorp).